The following is an entry in ClinVar:

NM_002291.3(LAMB1):c.546G>C (p.Met182Ile)

Gene: LAMB1 (laminin subunit beta 1; minus strand). Cytogenetic location: 7q31.1.
Variant type: single nucleotide variant.
Coding change: c.546G>C on transcript NM_002291.3 (MANE Select); coding-DNA position 546, G replaced by C.
Protein change: p.Met182Ile; replaces methionine 182 with isoleucine.
Molecular consequence: missense variant.
Genome position (GRCh38, 1-based): chr7:107,986,241, C>G on the plus strand (G>C on the coding strand, the complement: LAMB1 is on the minus strand). VCF-style: chr7-107986241-C-G. GRCh37 (hg19) VCF-style: chr7-107626686-C-G.
Other names: short protein forms M182I.
Identifiers: ClinVar variation 2222561 (VCV002222561.4), dbSNP rs755969649, ClinGen allele CA4436262.

ClinVar aggregate classification (germline): Uncertain significance. Review status: criteria provided, multiple submitters, no conflicts (2 of 4 stars). 2 submissions from 2 submitters: Uncertain significance (2). Last evaluated 2025-09-22.

Conditions:
Inborn genetic diseases. Identifiers: MedGen C0950123, MeSH D030342.

Allele frequency attached by ClinVar (database versions not stated): ExAC 0.00002; TOPMed 0.00010; gnomAD exomes 0.00001; gnomAD 0.00010.

Submissions (2):

Ambry Genetics
Classification: Uncertain significance for Inborn genetic diseases. Last evaluated: 2025-09-22. Review status: criteria provided, single submitter. Criteria: Ambry Variant Classification Scheme 2023. Collection method: clinical testing. Allele origin: germline.

GeneDx
Classification: Uncertain significance. Last evaluated: 2024-09-04. Review status: criteria provided, single submitter. Criteria: GeneDx Variant Classification Process June 2021. Collection method: clinical testing. Allele origin: germline. Affected: yes.
Comment: In silico analysis indicates that this missense variant does not alter protein structure/function; Has not been previously published as pathogenic or benign to our knowledge; This variant is associated with the following publications: (PMID: 23472759)